The following is an entry in ClinVar:

ClinVar aggregate classification (germline): Conflicting classifications of pathogenicity. Review status: criteria provided, conflicting classifications (1 of 4 stars). 2 submissions from 2 submitters: Uncertain significance (1); Likely benign (1). Last evaluated 2024-03-29.

Conditions:
Hereditary cancer-predisposing syndrome. Also called: Neoplastic Syndromes, Hereditary; Tumor predisposition; Hereditary neoplastic syndrome; Hereditary Cancer Syndrome. Identifiers: Orphanet 140162, MedGen C0027672, MeSH D009386, MONDO:0015356.

Allele frequency attached by ClinVar (database versions not stated): gnomAD exomes 0.00001.
gnomAD v4.1: 16 of 1,614,170 alleles (0.00099%); highest among the groups gnomAD compares: Non-Finnish European, 0.0014%; no homozygotes.

Submissions (2):

Ambry Genetics
Classification: Likely benign for Hereditary cancer-predisposing syndrome. Last evaluated: 2024-03-29. Review status: criteria provided, single submitter. Criteria: Ambry Variant Classification Scheme 2023. Collection method: clinical testing. Allele origin: germline.

Labcorp Genetics (formerly Invitae), Labcorp
Classification: Uncertain significance. Last evaluated: 2023-06-30. Review status: criteria provided, single submitter. Criteria: Invitae Variant Classification Sherloc (09022015). Collection method: clinical testing. Allele origin: germline.
Comment: This sequence change replaces serine, which is neutral and polar, with threonine, which is neutral and polar, at codon 171 of the XRCC2 protein (p.Ser171Thr). This variant is not present in population databases (gnomAD no frequency). This variant has not been reported in the literature in individuals affected with XRCC2-related conditions. ClinVar contains an entry for this variant (Variation ID: 825463). Advanced modeling of protein sequence and biophysical properties (such as structural, functional, and spatial information, amino acid conservation, physicochemical variation, residue mobility, and thermodynamic stability) performed at Invitae indicates that this missense variant is not expected to disrupt XRCC2 protein function. In summary, the available evidence is currently insufficient to determine the role of this variant in disease. Therefore, it has been classified as a Variant of Uncertain Significance.

NM_005431.2(XRCC2):c.511T>A (p.Ser171Thr)

Gene: XRCC2 (X-ray repair cross complementing 2; minus strand). Cytogenetic location: 7q36.1.
Variant type: single nucleotide variant.
Coding change: c.511T>A on transcript NM_005431.2 (MANE Select); coding-DNA position 511, T replaced by A.
Protein change: p.Ser171Thr; replaces serine 171 with threonine.
Molecular consequence: missense variant.
Genome position (GRCh38, 1-based): chr7:152,648,974, A>T on the plus strand (T>A on the coding strand, the complement: XRCC2 is on the minus strand). VCF-style: chr7-152648974-A-T. GRCh37 (hg19) VCF-style: chr7-152346059-A-T.
Other names: short protein forms S171T.
Identifiers: ClinVar variation 825463 (VCV000825463.13), dbSNP rs1590129454, ClinGen allele CA370198535.